The following is an entry in ClinVar:

ClinVar aggregate classification (germline): Pathogenic/Likely pathogenic. Review status: criteria provided, multiple submitters, no conflicts (2 of 4 stars). 12 submissions from 10 submitters: Pathogenic (8); Likely pathogenic (4). Last evaluated 2024-10-22.

Conditions:
Osteopenia. Identifiers: MedGen C0029453, HP:0000938.
Macrocephaly. Also called: large head; Macrocephalus. Identifiers: MedGen C2243051, HP:0000256.
Delayed speech and language development. Also called: Language delay. Identifiers: MedGen C0454644, HP:0000750.
Overgrowth. Identifiers: MedGen C1849265, HP:0001548.
Pointed chin. Identifiers: MedGen C1844505, HP:0000307.
Increased body weight. Also called: Weight gain. Identifiers: MedGen C0043094, HP:0004324.
High forehead. Identifiers: MedGen C0239676, HP:0000348.
Tall stature. Identifiers: MedGen C0241240, HP:0000098.
Preeclampsia. Identifiers: Orphanet 275555, MedGen C0032914, MONDO:0005081, HP:0100602.
NSD1-related disorder. Also called: NSD1-related condition.
Sotos syndrome (SOTOS). Also called: Distinctive facial appearance, overgrowth in childhood, and learning disabilities or delayed development; CEREBRAL GIGANTISM; Sotos' syndrome; CHROMOSOME 5q35 DELETION SYNDROME; SOTOS SYNDROME 1. Identifiers: Orphanet 821, MedGen C0175695, MONDO:0019349, OMIM 117550.
High anterior hairline. Identifiers: MedGen C3276036, HP:0009890.
Hypoplasia of the corpus callosum. Also called: Corpus callosum hypoplasia. Identifiers: MedGen C0344482, HP:0002079.
Scoliosis. Identifiers: MedGen C0036439, MONDO:0005392, HP:0002650.
Delayed gross motor development. Identifiers: MedGen C1837658, HP:0002194.
Global developmental delay (DD). Also called: Cognitive delay. Identifiers: MedGen C0557874, HP:0001263. Disease mechanism: loss of function.
Hypertelorism. Identifiers: MedGen C0020534, OMIM 145400, HP:0000316.

Submissions (12):

Labcorp Genetics (formerly Invitae), Labcorp
Classification: Pathogenic. Last evaluated: 2024-10-22. Review status: criteria provided, single submitter. Criteria: Invitae Variant Classification Sherloc (09022015). Collection method: clinical testing. Allele origin: germline.
Comment: This sequence change replaces arginine, which is basic and polar, with glutamine, which is neutral and polar, at codon 2017 of the NSD1 protein (p.Arg2017Gln). This variant is not present in population databases (gnomAD no frequency). This missense change has been observed in individual(s) with Sotos syndrome (PMID: 17565729, 27834868). In at least one individual the variant was observed to be de novo. ClinVar contains an entry for this variant (Variation ID: 159398). Invitae Evidence Modeling of protein sequence and biophysical properties (such as structural, functional, and spatial information, amino acid conservation, physicochemical variation, residue mobility, and thermodynamic stability) indicates that this missense variant is expected to disrupt NSD1 protein function with a positive predictive value of 95%. Experimental studies have shown that this missense change affects NSD1 function (PMID: 21196496). This variant disrupts the p.Arg2017 amino acid residue in NSD1. Other variant(s) that disrupt this residue have been determined to be pathogenic (PMID: 12807965, 15942875, 24412544, 26690673). This suggests that this residue is clinically significant, and that variants that disrupt this residue are likely to be disease-causing. For these reasons, this variant has been classified as Pathogenic.

Victorian Clinical Genetics Services, Murdoch Childrens Research Institute
Classification: Pathogenic for Sotos syndrome. Last evaluated: 2022-09-02. Review status: criteria provided, single submitter. Criteria: ACMG Guidelines, 2015. Collection method: clinical testing. Allele origin: germline. Inheritance: Autosomal dominant inheritance. Affected: yes.
Comment: Based on the classification scheme VCGS_Germline_v1.3.4, this variant is classified as Pathogenic. Following criteria are met: 0102 - Loss of function is a known mechanism of disease in this gene and is associated with Sotos syndrome (MIM#117550). (I) 0107 - This gene is associated with autosomal dominant disease. (I) 0200 - Variant is predicted to result in a missense amino acid change from arginine to glutamine. (I) 0251 - This variant is heterozygous. (I) 0301 - Variant is absent from gnomAD (both v2 and v3). (SP) 0501 - Missense variant consistently predicted to be damaging by multiple in silico tools or highly conserved with a major amino acid change. (SP) 0600 - Variant is located in the annotated SET domain (DECIPHER). (I) 0801 - This variant has strong previous evidence of pathogenicity in unrelated individuals. It has been reported in at least ten individuals, some of which are reported de novo events, and is consistently classified as pathogenic by diagnostic laboratories in ClinVar (PMIDs:12464997, 27834868, 30719864). (SP) 1102 - Strong phenotype match for this individual. (SP) 1208 - Inheritance information for this variant is not currently available in this individual. (I) Legend: (SP) - Supporting pathogenic, (I) - Information, (SB) - Supporting benign

Laboratory of Medical Genetics, National & Kapodistrian University of Athens
Classification: Pathogenic for Sotos syndrome. Last evaluated: 2022-05-18. Review status: criteria provided, single submitter. Criteria: ACMG Guidelines, 2015. Collection method: clinical testing. Allele origin: germline. Affected: yes.
Comment: PM1, PM2, PM5, PP2, PP3, PP5

Genome-Nilou Lab
Classification: Likely pathogenic for Sotos syndrome. Last evaluated: 2021-07-15. Review status: criteria provided, single submitter. Criteria: ACMG Guidelines, 2015. Collection method: clinical testing. Allele origin: germline. Affected: no.

GeneDx
Classification: Pathogenic. Last evaluated: 2020-12-11. Review status: criteria provided, single submitter. Criteria: GeneDx Variant Classification Process June 2021. Collection method: clinical testing. Allele origin: germline. Affected: yes.
Comment: Identified in multiple patients with Sotos Syndrome (Douglas et al., 2003; Tatton-Brown et al., 2005; Saugier-Veber et al., 2007; Kotilainen et al., 2009; Ha et al., 2016); Published functional studies demonstrate a damaging effect on the histone methyltransferase (HMT) activity (Qiao et al., 2011); Not observed in large population cohorts (Lek et al., 2016); In silico analysis supports that this missense variant has a deleterious effect on protein structure/function; This variant is associated with the following publications: (PMID: 16010675, 17565729, 12464997, 21196496, 15942875, 19876911, 27834868, 30719864)

Blueprint Genetics
Classification: Pathogenic for NSD1-related disorders. Last evaluated: 2020-10-27. Review status: criteria provided, single submitter. Criteria: ACMG Guidelines, 2015. Collection method: clinical testing. Allele origin: germline. Affected: yes. Observed: 1 variant allele.

Center for Human Genetics, Inc
Classification: Pathogenic. Last evaluated: 2016-11-01. Review status: criteria provided, single submitter. Criteria: ACMG Guidelines, 2015. Collection method: clinical testing. Allele origin: germline. Affected: yes.

Centre for Mendelian Genomics, University Medical Centre Ljubljana
Classification: Likely pathogenic for Sotos syndrome. Last evaluated: 2016-01-01. Review status: criteria provided, single submitter. Criteria: ACMG Guidelines, 2015. Collection method: clinical testing. Allele origin: unknown. Affected: yes.
Comment: This variant was classified as: Likely pathogenic.

Centre for Mendelian Genomics, University Medical Centre Ljubljana
Classification: Likely pathogenic for Delayed gross motor development; Delayed speech and language development; Global developmental delay; High anterior hairline; Hypertelorism; Hypoplasia of the corpus callosum; Scoliosis. Last evaluated: 2014-05-14. Review status: criteria provided, single submitter. Criteria: ACMG Guidelines, 2015. Collection method: clinical testing. Allele origin: unknown. Affected: yes.

Centre for Mendelian Genomics, University Medical Centre Ljubljana
Classification: Likely pathogenic for Delayed speech and language development; High forehead; Increased body weight; Macrocephaly; Osteopenia; Overgrowth; Pointed chin; Preeclampsia; Tall stature. Last evaluated: 2013-12-13. Review status: criteria provided, single submitter. Criteria: ACMG Guidelines, 2015. Collection method: clinical testing. Allele origin: unknown. Affected: yes.

Genetic Services Laboratory, University of Chicago
Classification: Pathogenic for Sotos syndrome 1. Last evaluated: 2013-02-08. Review status: criteria provided, single submitter. Criteria: ACMG Guidelines, 2007. Collection method: clinical testing. Allele origin: germline. Inheritance: Autosomal dominant inheritance. Affected: yes.

Institute for Genomic Statistics and Bioinformatics, University Hospital Bonn
Classification: Pathogenic for Sotos syndrome. Review status: criteria provided, single submitter. Criteria: ACMG Guidelines, 2015. Collection method: clinical testing. Allele origin: unknown. Affected: yes. Observed: 1 variant allele.

Literature cited by the submitters: PubMed 17565729 (cited by Labcorp Genetics (formerly Invitae), Labcorp); PubMed 27834868 (cited by Labcorp Genetics (formerly Invitae), Labcorp and Victorian Clinical Genetics Services, Murdoch Childrens Research Institute); PubMed 21196496 (cited by Labcorp Genetics (formerly Invitae), Labcorp); PubMed 12807965 (cited by Labcorp Genetics (formerly Invitae), Labcorp); PubMed 15942875 (cited by Labcorp Genetics (formerly Invitae), Labcorp); PubMed 24412544 (cited by Labcorp Genetics (formerly Invitae), Labcorp); PubMed 26690673 (cited by Labcorp Genetics (formerly Invitae), Labcorp); PubMed 12464997 (cited by Victorian Clinical Genetics Services, Murdoch Childrens Research Institute); PubMed 30719864 (cited by Victorian Clinical Genetics Services, Murdoch Childrens Research Institute).

NM_022455.5(NSD1):c.6050G>A (p.Arg2017Gln)

Gene: NSD1 (nuclear receptor binding SET domain protein 1; plus strand). Cytogenetic location: 5q35.3.
Variant type: single nucleotide variant.
Coding change: c.6050G>A on transcript NM_022455.5 (MANE Select); coding-DNA position 6050, G replaced by A.
Protein change: p.Arg2017Gln; replaces arginine 2017 with glutamine.
Molecular consequence: missense variant.
Genome position (GRCh38, 1-based): chr5:177,283,827, G>A. VCF-style: chr5-177283827-G-A. GRCh37 (hg19) VCF-style: chr5-176710828-G-A.
Other names: c.6050G>A, p.Arg2017Gln (NM_001409303.1, NM_001409301.1, NM_001409302.1); c.5630G>A, p.Arg1877Gln (NM_001409304.1); c.5297G>A, p.Arg1766Gln (NM_001409305.1); c.5288G>A, p.Arg1763Gln (NM_001409306.1, NM_001409307.1); c.5177G>A, p.Arg1726Gln (NM_001409308.1, NM_172349.5, NM_001365684.2); short protein forms R2017Q, R1748Q, R1763Q, R1877Q, R1726Q, R1766Q.
Identifiers: ClinVar variation 159398 (VCV000159398.25), dbSNP rs587784177, ClinGen allele CA295031.